The following is an entry in ClinVar:

ClinVar aggregate classification (germline): Uncertain significance (1 of 4 stars; one submission).

Conditions:
Autoimmune interstitial lung disease-arthritis syndrome. Also called: Autoinflammation and autoimmunity, systemic, with immune dysregulation. Identifiers: Orphanet 444092, MedGen C5975714, MONDO:0014629.

Allele frequency attached by ClinVar (database versions not stated): gnomAD exomes below 0.00001.
gnomAD v4.1: 1 of 1,611,620 alleles (0.000062%); highest among the groups gnomAD compares: Non-Finnish European, 0.000085%; no homozygotes.

Submission:

Labcorp Genetics (formerly Invitae), Labcorp
Classification: Uncertain significance for Autoimmune interstitial lung disease-arthritis syndrome. Last evaluated: 2025-10-19. Review status: criteria provided, single submitter. Criteria: Invitae Variant Classification Sherloc (09022015). Collection method: clinical testing. Allele origin: germline.
Comment: This sequence change replaces tyrosine, which is neutral and polar, with cysteine, which is neutral and slightly polar, at codon 105 of the COPA protein (p.Tyr105Cys). This variant is not present in population databases (gnomAD no frequency). This variant has not been reported in the literature in individuals affected with COPA-related conditions. ClinVar contains an entry for this variant (Variation ID: 2414756). Invitae Evidence Modeling of protein sequence and biophysical properties (such as structural, functional, and spatial information, amino acid conservation, physicochemical variation, residue mobility, and thermodynamic stability) indicates that this missense variant is expected to disrupt COPA protein function with a positive predictive value of 80%. In summary, the available evidence is currently insufficient to determine the role of this variant in disease. Therefore, it has been classified as a Variant of Uncertain Significance.

NM_004371.4(COPA):c.314A>G (p.Tyr105Cys)

Gene: COPA (coat protein complex I subunit alpha; minus strand). Cytogenetic location: 1q23.2.
Variant type: single nucleotide variant.
Coding change: c.314A>G on transcript NM_004371.4 (MANE Select); coding-DNA position 314, A replaced by G.
Protein change: p.Tyr105Cys; replaces tyrosine 105 with cysteine.
Molecular consequence: missense variant.
Genome position (GRCh38, 1-based): chr1:160,333,675, T>C on the plus strand (A>G on the coding strand, the complement: COPA is on the minus strand). VCF-style: chr1-160333675-T-C. GRCh37 (hg19) VCF-style: chr1-160303465-T-C.
Other names: c.314A>G, p.Tyr105Cys (NM_001098398.2); short protein forms Y105C.
Identifiers: ClinVar variation 2414756 (VCV002414756.6), dbSNP rs2525459417, ClinGen allele CA343270483.